The following is an entry in ClinVar:

NM_004523.4(KIF11):c.473del (p.Val158fs)

Gene: KIF11 (kinesin family member 11; plus strand). Cytogenetic location: 10q23.33.
Variant type: Deletion.
Coding change: c.473del on transcript NM_004523.4 (MANE Select); coding-DNA position 473, one base deleted (T; older notation c.473delT).
Protein change: p.Val158fs; shifts the reading frame from valine 158.
Molecular consequence: frameshift variant.
Genome position (GRCh38, 1-based): chr10:92,609,105, T deleted. VCF-style (leftmost placement, unchanged base first): chr10-92609104-GT-G. GRCh37 (hg19) VCF-style: chr10-94368861-GT-G.
Other names: short protein forms V158fs.
Identifiers: ClinVar variation 1687266 (VCV001687266.1), dbSNP rs2135902435, ClinGen allele CA2573145832.

ClinVar aggregate classification (germline): Likely pathogenic (1 of 4 stars; one submission).

Conditions:
Microcephaly with or without chorioretinopathy, lymphedema, or impaired intellectual development. Also called: MICROCEPHALY AND CHORIORETINOPATHY WITH OR WITHOUT MENTAL RETARDATION, AUTOSOMAL DOMINANT; MICROCEPHALY, LYMPHEDEMA, CHORIORETINAL DYSPLASIA SYNDROME; Microcephaly with or without chorioretinopathy, lymphedema, or intellectual disability; Microcephaly with or without chorioretinopathy, lymphedema, or mental retardation; Microcephaly lymphedema chorioretinal dysplasia. Identifiers: Orphanet 2526, MedGen C1835265, MONDO:0007918, OMIM 152950.

Submission:

3billion
Classification: Likely pathogenic for Microcephaly with or without chorioretinopathy, lymphedema, or impaired intellectual development. Last evaluated: 2022-05-22. Review status: criteria provided, single submitter. Criteria: ACMG Guidelines, 2015. Collection method: clinical testing. Allele origin: germline. Affected: yes. Observed: 1 heterozygote.
Comment: The variant is not observed in the gnomAD v2.1.1 dataset. Frameshift: predicted to result in a loss or disruption of normal protein function through nonsense-mediated decay (NMD) or protein truncation. Multiple pathogenic variants are reported downstream of the variant. Therefore, this variant is classified as likely pathogenic according to the recommendation of ACMG/AMP guideline.